The following is an entry in ClinVar:

ClinVar aggregate classification (germline): Uncertain significance (1 of 4 stars; one submission).

Conditions:
Bethlem myopathy 1A. Also called: Bethlem Muscular Dystrophy; Bethlem myopathy 1; MYOPATHY, BENIGN CONGENITAL, WITH CONTRACTURES. Identifiers: Orphanet 610, MedGen CN029274, MONDO:0024530, OMIM 158810.

Submission:

Labcorp Genetics (formerly Invitae), Labcorp
Classification: Uncertain significance for Bethlem myopathy 1A. Last evaluated: 2018-10-21. Review status: criteria provided, single submitter. Criteria: Invitae Variant Classification Sherloc (09022015). Collection method: clinical testing. Allele origin: germline.
Comment: This variant is not present in population databases (ExAC no frequency). In summary, the available evidence is currently insufficient to determine the role of this variant in disease. Therefore, it has been classified as a Variant of Uncertain Significance. Algorithms developed to predict the effect of missense changes on protein structure and function output the following: SIFT: "Tolerated"; PolyPhen-2: "Benign"; Align-GVGD: "Class C0". The serine amino acid residue is found in multiple mammalian species, suggesting that this missense change does not adversely affect protein function. These predictions have not been confirmed by published functional studies and their clinical significance is uncertain. This variant has not been reported in the literature in individuals with COL6A3-related disease. This sequence change replaces asparagine with serine at codon 1935 of the COL6A3 protein (p.Asn1935Ser). The asparagine residue is moderately conserved and there is a small physicochemical difference between asparagine and serine.

NM_004369.4(COL6A3):c.5804A>G (p.Asn1935Ser)

Gene: COL6A3 (collagen type VI alpha 3 chain; minus strand). Cytogenetic location: 2q37.3.
Variant type: single nucleotide variant.
Coding change: c.5804A>G on transcript NM_004369.4 (MANE Select); coding-DNA position 5804, A replaced by G.
Protein change: p.Asn1935Ser; replaces asparagine 1935 with serine.
Molecular consequence: missense variant.
Genome position (GRCh38, 1-based): chr2:237,365,732, T>C on the plus strand (A>G on the coding strand, the complement: COL6A3 is on the minus strand). VCF-style: chr2-237365732-T-C. GRCh37 (hg19) VCF-style: chr2-238274375-T-C.
Other names: c.3983A>G, p.Asn1328Ser (NM_057166.5); c.5186A>G, p.Asn1729Ser (NM_057167.4); short protein forms N1935S, N1328S, N1729S.
Identifiers: ClinVar variation 650982 (VCV000650982.9), dbSNP rs1574987505, ClinGen allele CA351185658.